The following is an entry in ClinVar:

NM_001039141.3(TRIOBP):c.5853G>A (p.Leu1951=)

Gene: TRIOBP (TRIO and F-actin binding protein; plus strand). Cytogenetic location: 22q13.1.
Variant type: single nucleotide variant.
Coding change: c.5853G>A on transcript NM_001039141.3 (MANE Select); coding-DNA position 5853, G replaced by A.
Protein change: p.Leu1951=; no amino-acid change (leucine 1951 retained).
Molecular consequence: synonymous variant.
Genome position (GRCh38, 1-based): chr22:37,757,778, G>A. VCF-style: chr22-37757778-G-A. GRCh37 (hg19) VCF-style: chr22-38153785-G-A.
Other names: c.714G>A, p.Leu238= (NM_007032.5, NM_138632.2).
Identifiers: ClinVar variation 289527 (VCV000289527.24), dbSNP rs55821172, ClinGen allele CA10224832.

ClinVar aggregate classification (germline): Conflicting classifications of pathogenicity. Review status: criteria provided, conflicting classifications (1 of 4 stars). 6 submissions from 6 submitters: Uncertain significance (2); Likely benign (3). 1 of the submissions does not count toward it. Last evaluated 2026-07-23.

Conditions:
TRIOBP-related disorder. Also called: TRIOBP-related condition.

Allele frequency attached by ClinVar (database versions not stated): ExAC 0.00018; gnomAD exomes 0.00026 and 0.00063; TOPMed 0.00026; gnomAD 0.00028 and 0.00030; 1000 Genomes Project 30x 0.00031; ESP Exome Variant Server 0.00048.
gnomAD v4.1: 899 of 1,551,170 alleles (0.058%); highest among the groups gnomAD compares: Non-Finnish European, 0.076%; 1 homozygote.

Submissions (6):

GeneDx
Classification: Uncertain significance. Last evaluated: 2026-07-23. Review status: criteria provided, single submitter. Criteria: GeneDx Variant Classification Process June 2021. Collection method: clinical testing. Allele origin: germline.
Comment: Has not been previously published as pathogenic or benign to our knowledge; In silico analysis suggests this variant may impact gene splicing. In the absence of RNA/functional studies, the actual effect of this sequence change is unknown.

Labcorp Genetics (formerly Invitae), Labcorp
Classification: Likely benign. Last evaluated: 2025-11-13. Review status: criteria provided, single submitter. Criteria: Invitae Variant Classification Sherloc (09022015). Collection method: clinical testing. Allele origin: germline.

Blueprint Genetics
Classification: Likely benign. Last evaluated: 2024-11-25. Review status: criteria provided, single submitter. Criteria: ACMG Guidelines, 2015. Collection method: clinical testing. Allele origin: germline.

Eurofins Ntd Llc (ga)
Classification: Uncertain significance. Last evaluated: 2016-08-01. Review status: criteria provided, single submitter. Criteria: EGL Classification Definitions 2015. Collection method: clinical testing. Allele origin: germline. Observed: 1 variant allele, 1 heterozygote.

Laboratory for Molecular Medicine, Mass General Brigham Personalized Medicine
Classification: Likely benign. Last evaluated: 2012-04-30. Review status: criteria provided, single submitter. Criteria: LMM Criteria. Collection method: clinical testing. Allele origin: germline. Observed: 1 variant allele.
Comment: Leu1951Leu in Exon 16 of TRIOBP: This variant is not expected to have clinical significance because it does not alter an amino acid residue, is not located within the splice consensus sequence, and has been identified in 3/6750 European American chromosomes from a broad population by the NHLBI Exome Sequencing Project (dbSNP rs55821172).

PreventionGenetics, part of Exact Sciences
Classification: Likely benign for TRIOBP-related condition. Last evaluated: 2019-05-23. Review status: no assertion criteria provided. Collection method: clinical testing. Allele origin: germline. Not counted in ClinVar's aggregate classification.
Comment: This variant is classified as likely benign based on ACMG/AMP sequence variant interpretation guidelines (Richards et al. 2015 PMID: 25741868, with internal and published modifications).